The following is an entry in ClinVar:

ClinVar aggregate classification (germline): Likely benign. Review status: criteria provided, multiple submitters, no conflicts (2 of 4 stars). 2 submissions from 2 submitters: Likely benign (2). Last evaluated 2023-11-01.

Conditions:
Inborn genetic diseases. Identifiers: MedGen C0950123, MeSH D030342.

Allele frequency attached by ClinVar (database versions not stated): ExAC 0.00002; TOPMed 0.00002; gnomAD 0.00003; 1000 Genomes Project 0.00040; 1000 Genomes Project 30x 0.00047.
gnomAD v4.1: 44 of 1,613,948 alleles (0.0027%); highest among the groups gnomAD compares: East Asian, 0.06%; no homozygotes.

Submissions (2):

CeGaT Center for Human Genetics Tuebingen
Classification: Likely benign. Last evaluated: 2023-11-01. Review status: criteria provided, single submitter. Criteria: CeGaT Center For Human Genetics Tuebingen Variant Classification Criteria Version 2. Collection method: clinical testing. Allele origin: germline. Affected: yes. Observed: 1 variant allele.
Comment: ZNF292: BP4

Ambry Genetics
Classification: Likely benign for Inborn genetic diseases. Last evaluated: 2022-11-18. Review status: criteria provided, single submitter. Criteria: Ambry Variant Classification Scheme 2023. Collection method: clinical testing. Allele origin: germline.

NM_015021.3(ZNF292):c.4328A>G (p.Asn1443Ser)

Gene: ZNF292 (zinc finger protein 292; plus strand). Cytogenetic location: 6q14.3.
Variant type: single nucleotide variant.
Coding change: c.4328A>G on transcript NM_015021.3 (MANE Select); coding-DNA position 4328, A replaced by G.
Protein change: p.Asn1443Ser; replaces asparagine 1443 with serine.
Molecular consequence: missense variant.
Genome position (GRCh38, 1-based): chr6:87,257,957, A>G. VCF-style: chr6-87257957-A-G. GRCh37 (hg19) VCF-style: chr6-87967675-A-G.
Other names: c.3908A>G, p.Asn1303Ser (NM_001351444.2); short protein forms N1303S, N1443S.
Identifiers: ClinVar variation 2272823 (VCV002272823.25), dbSNP rs199698005, ClinGen allele CA3914287.
Genomic context (GRCh38, chr6:87,257,957, plus strand): 5'-CCAGCATGATTCTCTCCACAAATGCAGTAAATTTGCAGCAGCCACAACAATCTACCTTCA[A>G]TCCAGAAGCATGTTTTAAAGATCCATCATTTCTACAGCTTCTTGCTGAAAATCGCTCGCC-3'
Protein context (NP_055836.1, residues 1433-1453): NLQQPQQSTF[Asn1443Ser]PEACFKDPSF